The following is an entry in ClinVar:

NM_002137.4(HNRNPA2B1):c.182C>T (p.Ala61Val)

Gene: HNRNPA2B1 (heterogeneous nuclear ribonucleoprotein A2/B1; minus strand). Cytogenetic location: 7p15.2.
Variant type: single nucleotide variant.
Coding change: c.182C>T on transcript NM_002137.4 (MANE Select); coding-DNA position 182, C replaced by T.
Protein change: p.Ala61Val; replaces alanine 61 with valine.
Molecular consequence: missense variant.
Genome position (GRCh38, 1-based): chr7:26,197,397, G>A on the plus strand (C>T on the coding strand, the complement: HNRNPA2B1 is on the minus strand). VCF-style: chr7-26197397-G-A. GRCh37 (hg19) VCF-style: chr7-26237017-G-A.
Other names: c.218C>T, p.Ala73Val (NM_031243.4, NM_001438568.1, NM_001438569.1 and 3 more transcripts); c.182C>T, p.Ala61Val (NM_001438576.1, NM_001438577.1, NM_001438578.1 and 4 more transcripts); short protein forms A61V, A73V.
Identifiers: ClinVar variation 4087976 (VCV004087976.2).
Genomic context (GRCh38, chr7:26,197,397, plus strand): 5'-GGCTCAACTACTCTCCCATCAATTGAATGAGGTCTTGCAGCCATGGCAGCATCAACCTCA[G>A]CCATGGATGAAAAAGTTACAAAACCAAATCCTCTTGATCTTTTGCTTGCAGGATCCCTCA-3'
Protein context (NP_002128.1, residues 51-71): GFGFVTFSSM[Ala61Val]EVDAAMAARP

ClinVar aggregate classification (germline): Uncertain significance. Review status: criteria provided, multiple submitters, no conflicts (2 of 4 stars). 2 submissions from 2 submitters: Uncertain significance (2). Last evaluated 2025-06-14.

Conditions:
Inclusion body myopathy with early-onset Paget disease with or without frontotemporal dementia 2 (IBMPFD2). Also called: MULTISYSTEM PROTEINOPATHY 2. Identifiers: MedGen C3809468, MONDO:0014178, OMIM 615422.

Submissions (2):

Labcorp Genetics (formerly Invitae), Labcorp
Classification: Uncertain significance for Inclusion body myopathy with early-onset Paget disease with or without frontotemporal dementia 2. Last evaluated: 2025-06-14. Review status: criteria provided, single submitter. Criteria: Invitae Variant Classification Sherloc (09022015). Collection method: clinical testing. Allele origin: germline.
Comment: This sequence change replaces alanine, which is neutral and non-polar, with valine, which is neutral and non-polar, at codon 73 of the HNRNPA2B1 protein (p.Ala73Val). This variant is not present in population databases (gnomAD no frequency). This variant has not been reported in the literature in individuals affected with HNRNPA2B1-related conditions. Invitae Evidence Modeling of protein sequence and biophysical properties (such as structural, functional, and spatial information, amino acid conservation, physicochemical variation, residue mobility, and thermodynamic stability) indicates that this missense variant is not expected to disrupt HNRNPA2B1 protein function with a negative predictive value of 80%. In summary, the available evidence is currently insufficient to determine the role of this variant in disease. Therefore, it has been classified as a Variant of Uncertain Significance.

GeneDx
Classification: Uncertain significance. Last evaluated: 2025-03-25. Review status: criteria provided, single submitter. Criteria: GeneDx Variant Classification Process June 2021. Collection method: clinical testing. Allele origin: germline. Affected: yes.
Comment: Not observed at significant frequency in large population cohorts (gnomAD); In silico analysis indicates that this missense variant does not alter protein structure/function; Has not been previously published as pathogenic or benign to our knowledge